The following is an entry in ClinVar:

NM_000368.5(TSC1):c.2043C>T (p.Gly681=)

Gene: TSC1 (TSC complex subunit 1; minus strand). Cytogenetic location: 9q34.13.
Variant type: single nucleotide variant.
Coding change: c.2043C>T on transcript NM_000368.5 (MANE Select); coding-DNA position 2043, C replaced by T.
Protein change: p.Gly681=; no amino-acid change (glycine 681 retained).
Molecular consequence: synonymous variant. On other transcripts: non-coding transcript variant (4), intron variant (4).
Genome position (GRCh38, 1-based): chr9:132,903,816, G>A on the plus strand (C>T on the coding strand, the complement: TSC1 is on the minus strand). VCF-style: chr9-132903816-G-A. GRCh37 (hg19) VCF-style: chr9-135779203-G-A.
Other names: c.990C>T, p.Gly330= (NM_001406629.1, NM_001406630.1); c.2039-14C>T (NM_001406603.1, NM_001406604.1); c.2042-14C>T (NM_001406602.1, NM_001406601.1); c.2040C>T, p.Gly680= (NM_001162426.2, NM_001406597.1, NM_001406598.1 and 4 more transcripts); c.1890C>T, p.Gly630= (NM_001162427.2, NM_001406610.1); c.1680C>T, p.Gly560= (NM_001362177.2, NM_001406614.1, NM_001406615.1 and 5 more transcripts); c.2043C>T, p.Gly681= (NM_001406592.1, NM_001406593.1, NM_001406594.1 and 5 more transcripts); c.1887C>T, p.Gly629= (NM_001406611.1, NM_001406612.1, NM_001406613.1); and 3 more.
Identifiers: ClinVar variation 4071026 (VCV004071026.1).
Genomic context (GRCh38, chr9:132,903,816, plus strand): 5'-CTGGTTGTGCAGTAAAAGCAACTGGTCTCGGAGGGTGCGGATCTCATCTGAAGGAGGAGA[G>A]CCTGATTGTAAAGCAGAGGGAGGGTGGCAGAAATGCCTTTTACAGATGGTTCAATCAAGC-3'
Protein context (NP_000359.1, residues 671-691): SKSVDWTHFG[Gly681=]SPPSDEIRTL

ClinVar aggregate classification (germline): Benign (1 of 4 stars; one submission).

Conditions:
Tuberous sclerosis 1 (TSC1). Identifiers: Orphanet 805, MedGen C1854465, MONDO:0008612, OMIM 191100.

gnomAD v4.1: 1 of 1,613,900 alleles (0.000062%); highest among the groups gnomAD compares: Non-Finnish European, 0.000085%; no homozygotes.

Submission:

Myriad Genetics, Inc.
Classification: Benign for Tuberous sclerosis 1. Last evaluated: 2025-04-24. Review status: criteria provided, single submitter. Criteria: Myriad Autosomal Dominant, Autosomal Recessive and X-Linked Classification Criteria (2023). Collection method: clinical testing. Allele origin: unknown.
Comment: This variant is considered benign. This variant is a silent/synonymous amino acid change and it is not expected to impact splicing.